The following is an entry in ClinVar:

NM_012120.3(CD2AP):c.1711G>A (p.Ala571Thr)

Gene: CD2AP (CD2 associated protein; plus strand). Cytogenetic location: 6p12.3.
Variant type: single nucleotide variant.
Coding change: c.1711G>A on transcript NM_012120.3 (MANE Select); coding-DNA position 1711, G replaced by A.
Protein change: p.Ala571Thr; replaces alanine 571 with threonine.
Molecular consequence: missense variant.
Genome position (GRCh38, 1-based): chr6:47,609,201, G>A. VCF-style: chr6-47609201-G-A. GRCh37 (hg19) VCF-style: chr6-47576937-G-A.
Other names: c.1711G>A (NM_012120.2); short protein forms A571T.
Identifiers: ClinVar variation 1357095 (VCV001357095.10), dbSNP rs140800708, ClinGen allele CA3844438.
Genomic context (GRCh38, chr6:47,609,201, plus strand): 5'-ACACCTTCCAGTGCTTCTAAAGCAAATACAACTGCTTTCCTGACTCCATTAGAAATCAAA[G>A]CTAAAGTGGAAACAGATGATGTGAAAAAAAATTCCCTGGATGAACTTAGAGCCCAGATTA-3'
Protein context (NP_036252.1, residues 561-581): TAFLTPLEIK[Ala571Thr]KVETDDVKKN

ClinVar aggregate classification (germline): Uncertain significance. Review status: criteria provided, multiple submitters, no conflicts (2 of 4 stars). 3 submissions from 3 submitters: Uncertain significance (3). Last evaluated 2025-10-17.

Conditions:
Focal segmental glomerulosclerosis 3, susceptibility to (FSGS3). Identifiers: Orphanet 656, MedGen C1842982, MONDO:0011917, OMIM 607832.
Inborn genetic diseases. Identifiers: MedGen C0950123, MeSH D030342.

Allele frequency attached by ClinVar (database versions not stated): 1000 Genomes Project 0.00080; 1000 Genomes Project 30x 0.00109; gnomAD exomes 0.00002 and 0.00006; ExAC 0.00010; gnomAD 0.00024; ESP Exome Variant Server 0.00031.
gnomAD v4.1: 74 of 1,613,156 alleles (0.0046%); highest among the groups gnomAD compares: African/African-American, 0.083%; no homozygotes.

Submissions (3):

Ambry Genetics
Classification: Uncertain significance for Inborn genetic diseases. Last evaluated: 2025-10-17. Review status: criteria provided, single submitter. Criteria: Ambry Variant Classification Scheme 2023. Collection method: clinical testing. Allele origin: germline.

Labcorp Genetics (formerly Invitae), Labcorp
Classification: Uncertain significance. Last evaluated: 2025-06-12. Review status: criteria provided, single submitter. Criteria: Invitae Variant Classification Sherloc (09022015). Collection method: clinical testing. Allele origin: germline.
Comment: This sequence change replaces alanine, which is neutral and non-polar, with threonine, which is neutral and polar, at codon 571 of the CD2AP protein (p.Ala571Thr). This variant is present in population databases (rs140800708, gnomAD 0.09%). This variant has not been reported in the literature in individuals affected with CD2AP-related conditions. ClinVar contains an entry for this variant (Variation ID: 1357095). Invitae Evidence Modeling of protein sequence and biophysical properties (such as structural, functional, and spatial information, amino acid conservation, physicochemical variation, residue mobility, and thermodynamic stability) indicates that this missense variant is not expected to disrupt CD2AP protein function with a negative predictive value of 80%. In summary, the available evidence is currently insufficient to determine the role of this variant in disease. Therefore, it has been classified as a Variant of Uncertain Significance.

Fulgent Genetics
Classification: Uncertain significance for Focal segmental glomerulosclerosis 3, susceptibility to. Last evaluated: 2024-03-07. Review status: criteria provided, single submitter. Criteria: ACMG Guidelines, 2015. Collection method: clinical testing. Allele origin: germline.